The following is an entry in ClinVar:

ClinVar aggregate classification (germline): Benign/Likely benign. Review status: criteria provided, multiple submitters, no conflicts (2 of 4 stars). 9 submissions from 9 submitters: Benign (5); Likely benign (2). 2 of the submissions do not count toward it. Last evaluated 2026-05-11.

Conditions:
Holoprosencephaly 9 (HPE9). Also called: PITUITARY ANOMALIES WITH HOLOPROSENCEPHALY-LIKE FEATURES; HOLOPROSENCEPHALY WITH MICROPHTHALMIA AND FIRST BRANCHIAL ARCH ANOMALIES. Identifiers: Orphanet 2162, MedGen C1835819, MONDO:0012563, OMIM 610829.
Postaxial polydactyly-anterior pituitary anomalies-facial dysmorphism syndrome. Also called: Culler-Jones syndrome. Identifiers: Orphanet 420584, MedGen C4014479, MONDO:0014369, OMIM 615849.

Allele frequency attached by ClinVar (database versions not stated): gnomAD 0.01347 and 0.01440; ESP Exome Variant Server 0.01515; gnomAD exomes 0.00145 and 0.00394; 1000 Genomes Project 0.01438; TOPMed 0.01538; ExAC 0.00459; 1000 Genomes Project 30x 0.01640.
gnomAD v4.1: 4,312 of 1,614,050 alleles (0.27%); highest among the groups gnomAD compares: African/African-American, 4.6%; 93 homozygotes.

Submissions (9):

Women's Health and Genetics/Laboratory Corporation of America, LabCorp
Classification: Benign. Last evaluated: 2026-05-11. Review status: criteria provided, single submitter. Criteria: LabCorp Variant Classification Summary - May 2015. Collection method: clinical testing. Allele origin: germline.

Labcorp Genetics (formerly Invitae), Labcorp
Classification: Benign for Postaxial polydactyly-anterior pituitary anomalies-facial dysmorphism syndrome; Holoprosencephaly 9. Last evaluated: 2026-02-01. Review status: criteria provided, single submitter. Criteria: Invitae Variant Classification Sherloc (09022015). Collection method: clinical testing. Allele origin: germline.

ARUP Laboratories, Molecular Genetics and Genomics, ARUP Laboratories
Classification: Benign. Last evaluated: 2023-11-06. Review status: criteria provided, single submitter. Criteria: ARUP Molecular Germline Variant Investigation Process 2024. Collection method: clinical testing. Allele origin: germline.

GeneDx
Classification: Likely benign. Last evaluated: 2021-09-18. Review status: criteria provided, single submitter. Criteria: GeneDx Variant Classification Process June 2021. Collection method: clinical testing. Allele origin: germline. Affected: yes.

Illumina Laboratory Services, Illumina
Classification: Benign for Holoprosencephaly 9. Last evaluated: 2018-01-13. Review status: criteria provided, single submitter. Criteria: ICSL Variant Classification Criteria 13 December 2019. Collection method: clinical testing. Allele origin: germline.
Comment: This variant was observed in the ICSL laboratory as part of a predisposition screen in an ostensibly healthy population. It had not been previously curated by ICSL or reported in the Human Gene Mutation Database (HGMD: prior to June 1st, 2018), and was therefore a candidate for classification through an automated scoring system. Utilizing variant allele frequency, disease prevalence and penetrance estimates, and inheritance mode, an automated score was calculated to assess if this variant is too frequent to cause the disease. Based on the score and internal cut-off values, a variant classified as benign is not then subjected to further curation. The score for this variant resulted in a classification of benign for this disease.

Breakthrough Genomics
Classification: Likely benign. Review status: criteria provided, single submitter. Criteria: ACMG Guidelines, 2015. Collection method: not provided. Allele origin: germline. Inheritance: Autosomal dominant inheritance. Affected: yes.

PreventionGenetics, part of Exact Sciences
Classification: Benign. Review status: criteria provided, single submitter. Criteria: ACMG Guidelines, 2015. Collection method: clinical testing. Allele origin: germline.

Clinical Genetics, Academic Medical Center
Classification: Benign. Review status: no assertion criteria provided. Collection method: clinical testing. Allele origin: germline. Affected: yes. Study: VKGL Data-share Consensus. Not counted in ClinVar's aggregate classification.

Joint Genome Diagnostic Labs from Nijmegen and Maastricht, Radboudumc and MUMC+
Classification: Benign. Review status: no assertion criteria provided. Collection method: clinical testing. Allele origin: germline. Affected: yes. Study: VKGL Data-share Consensus. Not counted in ClinVar's aggregate classification.

NM_001374353.1(GLI2):c.963C>G (p.Pro321=)

Gene: GLI2 (GLI family zinc finger 2; plus strand). Cytogenetic location: 2q14.2.
Variant type: single nucleotide variant.
Coding change: c.963C>G on transcript NM_001374353.1 (MANE Select); coding-DNA position 963, C replaced by G.
Protein change: p.Pro321=; no amino-acid change (proline 321 retained).
Molecular consequence: synonymous variant.
Genome position (GRCh38, 1-based): chr2:120,970,510, C>G. VCF-style: chr2-120970510-C-G. GRCh37 (hg19) VCF-style: chr2-121728086-C-G.
Other names: c.963C>G, p.Pro321= (NM_001371271.1, NM_005270.5); c.588C>G, p.Pro196= (NM_001374354.1).
Identifiers: ClinVar variation 259738 (VCV000259738.33), dbSNP rs149894186, ClinGen allele CA1851721.